The following is an entry in ClinVar:

NC_000016.10:g.47614206_47644831del

Gene: PHKB (phosphorylase kinase regulatory subunit beta; plus strand). Cytogenetic location: 16q12.1.
Variant type: Deletion.
Identifiers: ClinVar variation 834047 (VCV000834047.3).

ClinVar aggregate classification (germline): Likely pathogenic (1 of 4 stars; one submission).

Conditions:
Glycogen storage disease IXb (GSD9B). Also called: GLYCOGENOSIS OF LIVER AND MUSCLE, AUTOSOMAL RECESSIVE; GSD IXb; PHOSPHORYLASE KINASE DEFICIENCY OF LIVER AND MUSCLE, AUTOSOMAL RECESSIVE. Identifiers: Orphanet 79240, MedGen C0543514, MONDO:0009868, OMIM 261750.

Submission:

Foundation for Research in Genetics and Endocrinology, FRIGE's Institute of Human Genetics
Classification: Likely pathogenic for Glycogen storage disease IXb. Last evaluated: 2020-01-20. Review status: criteria provided, single submitter. Criteria: ACMG Guidelines, 2015. Collection method: clinical testing. Allele origin: germline. Inheritance: Autosomal recessive inheritance. Affected: yes. Observed: 1 homozygote.
Comment: Contiguous deletion of size (56.89kb), spanning genomic location (chrX:g.47614206_47644831del) that encompasses exonic regions 7 to 14 of PHKB gene was detected. Exonic deletions (exon 8) in the PHKB gene have previously been reported in patients with glycogen storage disease (Sherry et al . 2001). In summary, the variant meets our criteria to be classified as likely pathogenic.